The following is an entry in ClinVar:

NM_001754.5(RUNX1):c.1006T>A (p.Phe336Ile)

Gene: RUNX1 (RUNX family transcription factor 1; minus strand). Cytogenetic location: 21q22.12.
Variant type: single nucleotide variant.
Coding change: c.1006T>A on transcript NM_001754.5 (MANE Select); coding-DNA position 1006, T replaced by A.
Protein change: p.Phe336Ile; replaces phenylalanine 336 with isoleucine.
Molecular consequence: missense variant.
Genome position (GRCh38, 1-based): chr21:34,792,572, A>T on the plus strand (T>A on the coding strand, the complement: RUNX1 is on the minus strand). VCF-style: chr21-34792572-A-T. GRCh37 (hg19) VCF-style: chr21-36164869-A-T.
Other names: NM_001754.5(RUNX1):c.1006T>A; p.Phe336Ile; c.925T>A, p.Phe309Ile (NM_001001890.3); short protein forms F336I, F309I.
Identifiers: ClinVar variation 532669 (VCV000532669.13), dbSNP rs756010562, ClinGen allele CA10014222.

ClinVar aggregate classification (germline): Uncertain significance. Review status: reviewed by expert panel (3 of 4 stars). 4 submissions from 4 submitters: Uncertain significance (1). 3 of the submissions do not count toward it. Last evaluated 2024-07-25.

Conditions:
Inborn genetic diseases. Identifiers: MedGen C0950123, MeSH D030342.
Hereditary thrombocytopenia and hematologic cancer predisposition syndrome. Identifiers: Orphanet 71290, MedGen CN281654, MONDO:0011071.
Hereditary thrombocytopenia and hematological cancer predisposition syndrome associated with RUNX1. Also called: Familial Platelet Disorder with Propensity to Acute Myelogenous Leukemia; Familial thrombocytopenia with propensity to acute myelogenous leukemia; RUNX1 Familial Platelet Disorder with Associated Myeloid Malignancies; PLATELET DISORDER, ASPIRIN-LIKE. Identifiers: Orphanet 71290, MedGen C1832388, MeSH C563324, MONDO:0100083, OMIM 601399.

Allele frequency attached by ClinVar (database versions not stated): ExAC 0.00002; gnomAD exomes 0.00002.
gnomAD v4.1: 23 of 1,605,084 alleles (0.0014%); highest among the groups gnomAD compares: Non-Finnish European, 0.002%; no homozygotes.

Submissions (4):

ClinGen Myeloid Malignancy Variant Curation Expert Panel
Classification: Uncertain significance for Hereditary thrombocytopenia and hematologic cancer predisposition syndrome. Last evaluated: 2024-07-25. Review status: reviewed by expert panel. Criteria: ClinGen MyeloMalig ACMG Specifications v2. Collection method: curation. Allele origin: germline. Inheritance: Autosomal dominant inheritance.
Comment: NM_001754.5(RUNX1):c.1006T>A (p.Phe336Ile) is a missense variant which does not meet any ACMG/AMP criteria. In summary, this variant meets the criteria to be classified as a variant of uncertain significance. ACMG/AMP criteria applied, as specified by the Myeloid Malignancy Variant Curation Expert Panel for RUNX1: None

Ambry Genetics
Classification: Uncertain significance for Inborn genetic diseases. Last evaluated: 2025-08-30. Review status: criteria provided, single submitter. Criteria: Ambry Variant Classification Scheme 2023. Collection method: clinical testing. Allele origin: germline. Not counted in ClinVar's aggregate classification.
Comment: The p.F336I variant (also known as c.1006T>A), located in coding exon 8 of the RUNX1 gene, results from a T to A substitution at nucleotide position 1006. The phenylalanine at codon 336 is replaced by isoleucine, an amino acid with highly similar properties. This amino acid position is conserved. In addition, the in silico prediction for this alteration is inconclusive. Based on the available evidence, the clinical significance of this variant remains unclear.

GeneDx
Classification: Uncertain significance. Last evaluated: 2024-03-14. Review status: criteria provided, single submitter. Criteria: GeneDx Variant Classification Process June 2021. Collection method: clinical testing. Allele origin: germline. Affected: yes. Not counted in ClinVar's aggregate classification.
Comment: Not observed at significant frequency in large population cohorts (gnomAD); In silico analysis supports that this missense variant has a deleterious effect on protein structure/function; Has not been previously published as pathogenic or benign to our knowledge

Labcorp Genetics (formerly Invitae), Labcorp
Classification: Uncertain significance for Hereditary thrombocytopenia and hematological cancer predisposition syndrome associated with RUNX1. Last evaluated: 2022-06-13. Review status: criteria provided, single submitter. Criteria: Invitae Variant Classification Sherloc (09022015). Collection method: clinical testing. Allele origin: germline. Not counted in ClinVar's aggregate classification.
Comment: In summary, the available evidence is currently insufficient to determine the role of this variant in disease. Therefore, it has been classified as a Variant of Uncertain Significance. Algorithms developed to predict the effect of missense changes on protein structure and function are either unavailable or do not agree on the potential impact of this missense change (SIFT: "Tolerated"; PolyPhen-2: "Possibly Damaging"; Align-GVGD: "Class C0"). ClinVar contains an entry for this variant (Variation ID: 532669). This variant has not been reported in the literature in individuals affected with RUNX1-related conditions. The frequency data for this variant in the population databases is considered unreliable, as metrics indicate poor data quality at this position in the gnomAD database. This sequence change replaces phenylalanine, which is neutral and non-polar, with isoleucine, which is neutral and non-polar, at codon 336 of the RUNX1 protein (p.Phe336Ile).